The following is an entry in ClinVar:

ClinVar aggregate classification (germline): Pathogenic/Likely pathogenic. Review status: criteria provided, multiple submitters, no conflicts (2 of 4 stars). 3 submissions from 3 submitters: Pathogenic (1); Likely pathogenic (1). 1 of the submissions does not count toward it. Last evaluated 2023-08-04.

Conditions:
Hereditary cancer-predisposing syndrome. Also called: Neoplastic Syndromes, Hereditary; Hereditary Cancer Syndrome; Tumor predisposition; Hereditary neoplastic syndrome. Identifiers: Orphanet 140162, MedGen C0027672, MeSH D009386, MONDO:0015356.
Pheochromocytoma/paraganglioma syndrome 4. Also called: PARAGANGLIOMA, FAMILIAL MALIGNANT; PARAGANGLIOMAS, HEREDITARY EXTRAADRENAL; PHEOCHROMOCYTOMA, FAMILIAL EXTRAADRENAL; Paragangliomas 4; SDHB-Related Hereditary Paraganglioma-Pheochromocytoma Syndrome; CAROTID BODY TUMORS AND MULTIPLE EXTRAADRENAL PHEOCHROMOCYTOMAS. Identifiers: Orphanet 29072, MedGen C1861848, MONDO:0007273, OMIM 115310.
Pheochromocytoma. Also called: MAX-Related Hereditary Paraganglioma-Pheochromocytoma Syndrome. Identifiers: Orphanet 29072, MedGen C0031511, MONDO:0008233, OMIM 171300, HP:0002666.
Gastrointestinal stromal tumor. Also called: Gastrointestinal stromal tumor, somatic; Gastrointestinal stroma tumor. Identifiers: Orphanet 44890, MedGen C0238198, MeSH D046152, MONDO:0011719, OMIM 606764, HP:0100723.
Hereditary pheochromocytoma and paraganglioma. Also called: Hereditary paragangliomas and pheochromocytomas; Hereditary pheochromocytoma-paraganglioma; Hereditary Paraganglioma-Pheochromocytoma Syndromes. Identifiers: Orphanet 29072, MedGen C4274332, MONDO:0017366.

Submissions (4):

Labcorp Genetics (formerly Invitae), Labcorp
Classification: Pathogenic for Gastrointestinal stromal tumor; Pheochromocytoma/paraganglioma syndrome 4; Pheochromocytoma. Last evaluated: 2023-08-04. Review status: criteria provided, single submitter. Criteria: Invitae Variant Classification Sherloc (09022015). Collection method: clinical testing. Allele origin: germline.
Comment: This sequence change falls in intron 3 of the SDHB gene. It does not directly change the encoded amino acid sequence of the SDHB protein. It affects a nucleotide within the consensus splice site. This variant is not present in population databases (gnomAD no frequency). This variant has been observed in individuals with paraganglioma and pheochromocytoma (PMID: 23434467, 28374168, 30050099; Invitae). ClinVar contains an entry for this variant (Variation ID: 438419). Variants that disrupt the consensus splice site are a relatively common cause of aberrant splicing (PMID: 17576681, 9536098). Algorithms developed to predict the effect of sequence changes on RNA splicing suggest that this variant may disrupt the consensus splice site. For these reasons, this variant has been classified as Pathogenic.

Ambry Genetics
Classification: Likely pathogenic for Hereditary cancer-predisposing syndrome. Last evaluated: 2022-10-04. Review status: criteria provided, single submitter. Criteria: Ambry Variant Classification Scheme 2023. Collection method: clinical testing. Allele origin: germline.
Comment: The c.287-3C>G intronic variant results from a C to G substitution 3 nucleotides upstream from coding exon 4 in the SDHB gene. This variant has been reported in multiple individuals with paraganglioma (D&iacute;az-Soto G et al. Med Clin (Barc), 2013 May;140:453-7; Richter S et al. Genet Med, 2019 03;21:705-717). This variant is considered to be rare based on population cohorts in the Genome Aggregation Database (gnomAD). This nucleotide position is well conserved in available vertebrate species. In silico splice site analysis predicts that this alteration will weaken the native splice acceptor site; however, direct evidence is insufficient at this time (Ambry internal data). Based on the majority of available evidence to date, this variant is likely to be pathogenic.

Dr. Peter K. Rogan Lab, Western University
No classification provided (evidence only). Condition: Malignant tumor of urinary bladder. Review status: no classification provided. Collection method: in vitro. Allele origin: not applicable. Functional consequence: skipped exon. Not counted in ClinVar's aggregate classification.

Section on Medical Neuroendocrinolgy, National Institutes of Health
Classification: Likely pathogenic for Hereditary pheochromocytoma and paraganglioma. Review status: no assertion criteria provided. Collection method: research. Allele origin: germline. Affected: yes. Not counted in ClinVar's aggregate classification.

Literature cited by the submitters: PubMed 23434467 (cited by Labcorp Genetics (formerly Invitae), Labcorp and Ambry Genetics); PubMed 28374168 (cited by Labcorp Genetics (formerly Invitae), Labcorp); PubMed 30050099 (cited by Labcorp Genetics (formerly Invitae), Labcorp and Ambry Genetics); PubMed 17576681 (cited by Labcorp Genetics (formerly Invitae), Labcorp); PubMed 9536098 (cited by Labcorp Genetics (formerly Invitae), Labcorp).

NM_003000.3(SDHB):c.287-3C>G

Gene: SDHB (succinate dehydrogenase complex iron sulfur subunit B; minus strand). Cytogenetic location: 1p36.13.
Variant type: single nucleotide variant.
Coding change: c.287-3C>G on transcript NM_003000.3 (MANE Select); 3 bases into the intron before coding-DNA position 287, C replaced by G.
Molecular consequence: intron variant.
Genome position (GRCh38, 1-based): chr1:17,028,739, G>C on the plus strand (C>G on the coding strand, the complement: SDHB is on the minus strand). VCF-style: chr1-17028739-G-C. GRCh37 (hg19) VCF-style: chr1-17355234-G-C.
Identifiers: ClinVar variation 438419 (VCV000438419.11), dbSNP rs1553177772, ClinGen allele CA645509071.